The following is an entry in ClinVar:

ClinVar aggregate classification (germline): Uncertain significance (1 of 4 stars; one submission).

Conditions:
NLGN1-related disorder. Also called: NLGN1-related condition.

Submission:

PreventionGenetics, part of Exact Sciences
Classification: Uncertain significance for NLGN1-related condition. Last evaluated: 2026-05-19. Review status: criteria provided, single submitter. Criteria: ACMG Guidelines, 2015. Collection method: clinical testing. Allele origin: germline.
Comment: The NLGN1 c.717_719dupATG variant is predicted to result in premature protein termination (p.Trp240*). To our knowledge, this variant has not been reported in the literature or in a large population database (gnomAD), indicating this variant is rare. To date, few loss-of-function variants have been reported in this gene in association with disease (Human Gene Mutation Database). At this time, the clinical significance of this variant is uncertain due to the absence of conclusive functional and genetic evidence.

NM_001365925.2(NLGN1):c.777_779dup (p.Trp260Ter)

Gene: NLGN1 (neuroligin 1; plus strand). Cytogenetic location: 3q26.31.
Variant type: Duplication.
Coding change: c.777_779dup on transcript NM_001365925.2 (MANE Select); coding-DNA positions 777 to 779, 3 bases duplicated (ATG; older notation c.777_779dupATG).
Protein change: p.Trp260Ter; replaces tryptophan 260 with a stop codon.
Molecular consequence: nonsense.
Genome position (GRCh38, 1-based): chr3:174,275,385-174,275,387, ATG duplicated; duplicating any 3 consecutive bases within chr3:174,275,384-174,275,387 gives the same sequence; the c. name uses the placement nearest the transcript's 3' end. VCF-style (leftmost placement, unchanged base first): chr3-174275383-A-AGAT. GRCh37 (hg19) VCF-style: chr3-173993173-A-AGAT.
Other names: c.777_779dup, p.Trp260Ter (NM_001365923.2, NM_001365924.2, NM_001365926.2 and 2 more transcripts); c.717_719dup, p.Trp240Ter (NM_001365929.2, NM_001365930.2, NM_001365931.2 and 6 more transcripts); short protein forms W240*, W260*.
Identifiers: ClinVar variation 3349759 (VCV003349759.2).